The following is an entry in ClinVar:

NM_139159.5(DPP9):c.1794G>A (p.Pro598=)

Gene: DPP9 (dipeptidyl peptidase 9; minus strand). Cytogenetic location: 19p13.3.
Variant type: single nucleotide variant.
Coding change: c.1794G>A on transcript NM_139159.5 (MANE Select); coding-DNA position 1794, G replaced by A.
Protein change: p.Pro598=; no amino-acid change (proline 598 retained).
Molecular consequence: synonymous variant. On other transcripts: non-coding transcript variant (9).
Genome position (GRCh38, 1-based): chr19:4,688,848, C>T on the plus strand (G>A on the coding strand, the complement: DPP9 is on the minus strand). VCF-style: chr19-4688848-C-T. GRCh37 (hg19) VCF-style: chr19-4688860-C-T.
Other names: c.1794G>A, p.Pro598= (NM_001384611.1, NM_001384612.1, NM_001384613.1 and 8 more transcripts); c.1761G>A, p.Pro587= (NM_001384619.1); c.1755G>A, p.Pro585= (NM_001384620.1, NM_001384621.1); c.1707G>A, p.Pro569= (NM_001384623.1, NM_001384624.1, NM_001384625.1 and 2 more transcripts); c.1554G>A, p.Pro518= (NM_001384631.1).
Identifiers: ClinVar variation 5040986 (VCV005040986.1).

ClinVar aggregate classification (germline): Likely benign (1 of 4 stars; one submission).

gnomAD v4.1: 48 of 1,515,278 alleles (0.0032%); highest among the groups gnomAD compares: African/African-American, 0.0073%; no homozygotes.

Submission:

CeGaT Center for Human Genetics Tuebingen
Classification: Likely benign. Last evaluated: 2026-09-01. Review status: criteria provided, single submitter. Criteria: CeGaT Center For Human Genetics Tuebingen Variant Classification Criteria Version 2. Collection method: clinical testing. Allele origin: germline. Affected: yes. Observed: 1 variant allele.
Comment: DPP9: BP4, BP7